The following is an entry in ClinVar:

NM_016362.5(GHRL):c.214C>A (p.Leu72Met)

Genes: GHRL (ghrelin and obestatin prepropeptide; minus strand), GHRLOS (ghrelin opposite strand/antisense RNA; plus strand). Cytogenetic location: 3p25.3.
Variant type: single nucleotide variant.
Coding change: c.214C>A on transcript NM_016362.5 (MANE Select); coding-DNA position 214, C replaced by A.
Protein change: p.Leu72Met; replaces leucine 72 with methionine.
Molecular consequence: missense variant. On other transcripts: intron variant (1).
Genome position (GRCh38, 1-based): chr3:10,289,773, G>T on the plus strand (C>A on the coding strand, the complement: GHRL is on the minus strand). VCF-style: chr3-10289773-G-T. GRCh37 (hg19) VCF-style: chr3-10331457-G-T.
Other names: c.211C>A, p.Leu71Met (NM_001134941.3, NM_001302823.2); c.178C>A, p.Leu60Met (NM_001134944.2); c.175C>A, p.Leu59Met (NM_001134945.2); c.214C>A, p.Leu72Met (NM_001302821.2, NM_001302822.2, NM_001302824.2 and 1 more transcripts); c.73-2961C>A (NM_001134946.2); short protein forms L72M, L60M, L59M, L71M.
Identifiers: ClinVar variation 5062 (VCV000005062.9), dbSNP rs696217, ClinGen allele CA117241.

ClinVar aggregate classification (germline): Conflicting classifications of pathogenicity. Review status: criteria provided, conflicting classifications (1 of 4 stars). 7 submissions from 6 submitters: Uncertain significance (1); Benign (3); Likely benign (1). 2 of the submissions do not count toward it. Last evaluated 2024-12-19.

Conditions:
Inherited obesity. Also called: Monogenic Obesity. Identifiers: Orphanet 77828, MedGen C4054476, MONDO:0019182, OMIM 601665.
Obesity. Also called: Obesity disorder. Identifiers: Orphanet 71529, MedGen C0028754, MeSH D009765, MONDO:0011122, HP:0001513.
Metabolic syndrome, susceptibility to. Identifiers: MedGen C2676079.
Obesity, age at onset of. Identifiers: MedGen C4016925.

Allele frequency attached by ClinVar (database versions not stated): TOPMed 0.06370; gnomAD 0.07013 and 0.07295; 1000 Genomes Project 30x 0.07948; gnomAD exomes 0.08767; 1000 Genomes Project 0.08327; ExAC 0.08557.
gnomAD v4.1: 131,163 of 1,601,724 alleles (8.2%); highest among the groups gnomAD compares: East Asian, 19%; 6,195 homozygotes.

Submissions (7):

Genomic Medicine Center of Excellence, King Faisal Specialist Hospital and Research Centre
Classification: Uncertain significance for Inherited obesity. Last evaluated: 2024-12-19. Review status: criteria provided, single submitter. Criteria: ACMG Guidelines, 2015. Collection method: clinical testing. Allele origin: germline.

Department of Pathology and Laboratory Medicine, Sinai Health System
Classification: Benign for Inherited obesity. Last evaluated: 2023-04-17. Review status: criteria provided, single submitter. Criteria: ACMG Guidelines, 2015. Collection method: research. Allele origin: germline.

Fulgent Genetics
Classification: Likely benign for Inherited obesity. Last evaluated: 2022-04-19. Review status: criteria provided, single submitter. Criteria: ACMG Guidelines, 2015. Collection method: clinical testing. Allele origin: unknown.

GeneDx
Classification: Benign. Last evaluated: 2018-11-12. Review status: criteria provided, single submitter. Criteria: GeneDx Variant Classification Process June 2021. Collection method: clinical testing. Allele origin: germline. Affected: yes.
Comment: This variant is associated with the following publications: (PMID: 28481975, 25257375, 23321590, 31440212, 30487812, 24132517, 25540946, 24341728, 11502844, 12181387, 22876551, 16793966, 21195705, 18848536)

Breakthrough Genomics
Classification: Benign. Review status: criteria provided, single submitter. Criteria: ACMG Guidelines, 2015. Collection method: not provided. Allele origin: germline. Inheritance: Autosomal recessive inheritance. Affected: yes.

OMIM
Classification: Pathogenic for OBESITY, AGE AT ONSET OF. Last evaluated: 2005-12-01. Review status: no assertion criteria provided. Collection method: literature only. Allele origin: germline. Not counted in ClinVar's aggregate classification.

OMIM
Classification: risk factor for METABOLIC SYNDROME, SUSCEPTIBILITY TO. Last evaluated: 2005-12-01. Review status: no assertion criteria provided. Collection method: literature only. Allele origin: germline. Not counted in ClinVar's aggregate classification.

Literature cited by the submitters: PubMed 11502844 (cited by OMIM); PubMed 12161552 (cited by OMIM); PubMed 12050239 (cited by OMIM); PubMed 16204371 (cited by OMIM).